The following is an entry in ClinVar:

ClinVar aggregate classification (germline): Pathogenic/Likely pathogenic. Review status: criteria provided, multiple submitters, no conflicts (2 of 4 stars). 3 submissions from 3 submitters: Pathogenic (1); Likely pathogenic (2). Last evaluated 2025-12-30.

Conditions:
Nephronophthisis. Also called: Juvenile Nephronophthisis. Identifiers: Orphanet 655, MedGen C0687120, MONDO:0019005, HP:0000090.
Infantile nephronophthisis (NPHP2). Also called: Nephronophthisis 2; Nephronophthisis 2, infantile. Identifiers: Orphanet 655, Orphanet 93591, MedGen C1865872, MONDO:0011190, OMIM 602088.
INVS-related disorder. Also called: INVS-related condition.

Submissions (3):

PreventionGenetics, part of Exact Sciences
Classification: Likely pathogenic for INVS-related condition. Last evaluated: 2025-12-30. Review status: criteria provided, single submitter. Criteria: ACMG Guidelines, 2015. Collection method: clinical testing. Allele origin: germline.
Comment: The INVS c.2501_2502delAA variant is predicted to result in a frameshift and premature protein termination (p.Lys834Serfs*26). To our knowledge, this variant has not been reported in the literature. This variant is reported in 0.0018% of alleles in individuals of European (Non-Finnish) descent in gnomAD. Frameshift variants in INVS are expected to be pathogenic. This variant is interpreted as likely pathogenic.

Labcorp Genetics (formerly Invitae), Labcorp
Classification: Pathogenic for Nephronophthisis. Last evaluated: 2023-12-14. Review status: criteria provided, single submitter. Criteria: Invitae Variant Classification Sherloc (09022015). Collection method: clinical testing. Allele origin: germline.
Comment: This sequence change creates a premature translational stop signal (p.Lys834Serfs*26) in the INVS gene. It is expected to result in an absent or disrupted protein product. Loss-of-function variants in INVS are known to be pathogenic (PMID: 12872123). This variant is present in population databases (rs777723411, gnomAD 0.002%). This variant has not been reported in the literature in individuals affected with INVS-related conditions. ClinVar contains an entry for this variant (Variation ID: 1458571). For these reasons, this variant has been classified as Pathogenic.

Fulgent Genetics
Classification: Likely pathogenic for Infantile nephronophthisis. Last evaluated: 2022-03-02. Review status: criteria provided, single submitter. Criteria: ACMG Guidelines, 2015. Collection method: clinical testing. Allele origin: unknown.

Literature cited by the submitters: PubMed 12872123 (cited by Labcorp Genetics (formerly Invitae), Labcorp).

NM_014425.5(INVS):c.2501_2502del (p.Lys834fs)

Gene: INVS (inversin; plus strand). Cytogenetic location: 9q31.1.
Variant type: Deletion.
Coding change: c.2501_2502del on transcript NM_014425.5 (MANE Select); coding-DNA positions 2501 to 2502, 2 bases deleted (AA; older notation c.2501_2502delAA).
Protein change: p.Lys834fs; shifts the reading frame from lysine 834.
Molecular consequence: frameshift variant. On other transcripts: non-coding transcript variant (1).
Genome position (GRCh38, 1-based): chr9:100,292,758-100,292,759, AA deleted; deleting any 2 consecutive bases within chr9:100,292,757-100,292,759 gives the same sequence; the c. name uses the placement nearest the transcript's 3' end. VCF-style (leftmost placement, unchanged base first): chr9-100292756-CAA-C. GRCh37 (hg19) VCF-style: chr9-103055038-CAA-C.
Other names: c.2213_2214del, p.Lys738fs (NM_001318381.2); c.1523_1524del, p.Lys508fs (NM_001318382.2); c.2501_2502delAA (NM_014425.4); short protein forms K508fs, K834fs, K738fs.
Identifiers: ClinVar variation 1458571 (VCV001458571.8), dbSNP rs777723411, ClinGen allele CA5158645.